The following is an entry in ClinVar:

ClinVar aggregate classification (germline): Conflicting classifications of pathogenicity. Review status: criteria provided, conflicting classifications (1 of 4 stars). 11 submissions from 11 submitters: Likely pathogenic (1); Uncertain significance (9). 1 of the submissions does not count toward it. Last evaluated 2026-01-30.

Conditions:
MYBPC3-related disorder. Also called: MYBPC3-related condition; MYBPC3-related disease; MYBPC3-related disorders.
Cardiovascular phenotype. Identifiers: MedGen CN230736.
Hypertrophic cardiomyopathy 4. Also called: Familial hypertrophic cardiomyopathy 4. Identifiers: MedGen C1861862, MONDO:0007268, OMIM 115197.
Left ventricular noncompaction 10 (LVNC10). Identifiers: Orphanet 154, Orphanet 54260, MedGen C3715165, MONDO:0014163, OMIM 615396.
Cardiomyopathy (CMYO). Also called: Cardiomyopathies. Identifiers: Orphanet 167848, MedGen C0878544, MONDO:0004994, HP:0001638. Inheritance: Various modes of inheritance.
Hypertrophic cardiomyopathy. Also called: HYPERTROPHIC MYOCARDIOPATHY. Identifiers: Orphanet 217569, MedGen C0007194, MeSH D002312, MONDO:0005045, HP:0001639.

Allele frequency attached by ClinVar (database versions not stated): ExAC 0.00001; gnomAD 0.00001; gnomAD exomes 0.00001 and 0.00003; TOPMed 0.00002.
gnomAD v4.1: 38 of 1,612,550 alleles (0.0024%); highest among the groups gnomAD compares: African/African-American, 0.0053%; no homozygotes.

Submissions (11):

GeneDx
Classification: Uncertain significance. Last evaluated: 2026-01-30. Review status: criteria provided, single submitter. Criteria: GeneDx Variant Classification Process June 2021. Collection method: clinical testing. Allele origin: germline.
Comment: Identified in patients with cardiomyopathy in published literature; at least one individual harbored an additional cardiogenetic variant (PMID: 21750094, 22958901, 27532257, 32356610, 31513939, 36788754, 37652022, 33782553); Not observed at significant frequency in large population cohorts (gnomAD); In silico analysis supports that this missense variant has a deleterious effect on protein structure/function; This variant is associated with the following publications: (PMID: 22958901, 34097875, 27532257, 31513939, 32356610, 33782553, 36788754, 32841044, 21750094, 37652022, 38456273)

Labcorp Genetics (formerly Invitae), Labcorp
Classification: Likely pathogenic for Hypertrophic cardiomyopathy. Last evaluated: 2026-01-27. Review status: criteria provided, single submitter. Criteria: Invitae Variant Classification Sherloc (09022015). Collection method: clinical testing. Allele origin: germline.
Comment: This sequence change replaces valine, which is neutral and non-polar, with methionine, which is neutral and non-polar, at codon 385 of the MYBPC3 protein (p.Val385Met). This variant is present in population databases (rs772073491, gnomAD 0.007%). This missense change has been observed in individuals with dilated cardiomyopathy and/or hypertropic cardiomyopathy (PMID: 21750094, 27532257, 31513939, 32841044, 33782553, 36788754, 37652022, 38456273; internal data). ClinVar contains an entry for this variant (Variation ID: 219403). An algorithm developed to predict the effect of missense changes on protein structure and function (PolyPhen-2) suggests that this variant is likely to be disruptive. In summary, the currently available evidence indicates that the variant is pathogenic, but additional data are needed to prove that conclusively. Therefore, this variant has been classified as Likely Pathogenic.

PreventionGenetics, part of Exact Sciences
Classification: Uncertain significance for MYBPC3-related condition. Last evaluated: 2025-12-23. Review status: criteria provided, single submitter. Criteria: ACMG Guidelines, 2015. Collection method: clinical testing. Allele origin: germline.
Comment: The MYBPC3 c.1153G>A variant is predicted to result in the amino acid substitution p.Val385Met. This variant has been reported in individuals with dilated or hypertrophic cardiomyopathy (see, for example: supplemental Table 2, Waldmüller et al. 2011. PubMed ID: 21750094; Table S1A, Walsh et al. 2016. PubMed ID: 27532257; Table S2, Robyns et al. 2020. PubMed ID: 31513939; Table S2, Thompson et al. 2021. PubMed ID: 33782553; Table S8, McGurk et al. 2023. PubMed ID: 37652022). It has been reported along with an additional cardiomyopathy variant in two affected individuals and in two asymptomatic family members (Piriou et al. 2020. PubMed ID: 32356610). An in vitro functional study noted that the variant reduces protein stability (Suay-Corredera et al. 2021. PubMed ID: 34097875). This variant is reported in 0.0066% of alleles in individuals of African descent in gnomAD and is classified as uncertain in ClinVar (ClinVar ID: 219403). At this time, the clinical significance of this variant is uncertain due to the absence of conclusive functional and genetic evidence.

Ambry Genetics
Classification: Uncertain significance for Cardiovascular phenotype. Last evaluated: 2025-01-15. Review status: criteria provided, single submitter. Criteria: Ambry Variant Classification Scheme 2023. Collection method: clinical testing. Allele origin: germline.
Comment: The p.V385M variant (also known as c.1153G>A), located in coding exon 13 of the MYBPC3 gene, results from a G to A substitution at nucleotide position 1153. The valine at codon 385 is replaced by methionine, an amino acid with highly similar properties. This alteration has been reported in various cardiomyopathy cohorts, including dilated cardiomyopathy cohorts and hypertrophic cardiomyopathy cohorts; however, clinical details were limited in some cases and additional alterations were identified in other cardiac-related genes (Waldm&uuml;ller S et al. Eur J Heart Fail, 2011 Nov;13:1185-92; Walsh R et al. Genet Med, 2017 02;19:192-203; Wang L et al. Compr Physiol, 2018 03;8:631-709; Helms AS et al. Circ Genom Precis Med, 2020 10;13:396-405; Piriou N et al. ESC Heart Fail, 2020 May:[ePub ahead of print]; Robyns T et al. Eur J Med Genet, 2020 Mar;63:103754). Additionally, this variant has been reported in the Jackson Heart Study cohort; however, clinical details were limited (Bick AG et al. Am J Hum Genet, 2012 Sep;91:513-9). This amino acid position is well conserved in available vertebrate species. In addition, the in silico prediction for this alteration is inconclusive. Since supporting evidence is limited at this time, the clinical significance of this alteration remains unclear.

Color Diagnostics, LLC DBA Color Health
Classification: Uncertain significance for Cardiomyopathy. Last evaluated: 2024-07-17. Review status: criteria provided, single submitter. Criteria: ACMG Guidelines, 2015. Collection method: clinical testing. Allele origin: germline.
Comment: This missense variant replaces valine with methionine at codon 385 of the MYBPC3 protein. Computational prediction tools indicate that this variant has a neutral impact on protein structure and function. A functional study has shown that this variant reduces protein stability in vitro (PMID: 34097875). This variant has been reported in individuals affected with hypertrophic cardiomyopathy (PMID: 27532257, 31513939, 32841044, 33782553) and in an individual affected with dilated cardiomyopathy (PMID: 21750094). This variant has also been reported in three individuals from one family who were affected with dilated cardiomyopathy, acute myocarditis, or asymptomatic, respectively (PMID: 32356610). This variant has been identified in 3/245982 chromosomes in the general population by the Genome Aggregation Database (gnomAD). The available evidence is insufficient to determine the role of this variant in disease conclusively. Therefore, this variant is classified as a Variant of Uncertain Significance.

KardioGenetik, Herz- und Diabeteszentrum NRW
Classification: Uncertain significance for Left ventricular noncompaction 10. Last evaluated: 2024-03-07. Review status: criteria provided, single submitter. Criteria: ACMG Guidelines, 2015. Collection method: clinical testing. Allele origin: unknown. Affected: yes. Observed: 1 variant allele.

All of Us Research Program, National Institutes of Health
Classification: Uncertain significance for Hypertrophic cardiomyopathy. Last evaluated: 2024-01-11. Review status: criteria provided, single submitter. Criteria: ACMG Guidelines, 2015. Collection method: clinical testing. Allele origin: germline. Inheritance: Autosomal dominant inheritance. Observed: 10 variant alleles, 10 heterozygotes.
Comment: This missense variant replaces valine with methionine at codon 385 of the MYBPC3 protein. Computational prediction suggests that this variant may not impact protein structure and function (internally defined REVEL score threshold <= 0.5, PMID: 27666373). A functional study has shown that this variant reduces protein stability in vitro (PMID: 34097875). This variant has been reported in individuals affected with hypertrophic cardiomyopathy (PMID: 27532257, 31513939, 32841044, 33782553) and in an individual affected with dilated cardiomyopathy (PMID: 21750094). This variant has also been reported in three individuals from one family who were affected with dilated cardiomyopathy, acute myocarditis, or asymptomatic, respectively (PMID: 32356610). This variant has been identified in 3/245982 chromosomes in the general population by the Genome Aggregation Database (gnomAD). The available evidence is insufficient to determine the role of this variant in disease conclusively. Therefore, this variant is classified as a Variant of Uncertain Significance.

This study involves interpretation of variants in research participants for the purpose of population health screening. Participant phenotype was not available at the time of variant classification. Additional details can be found in publication PMID: 35346344, PMCID: PMC8962531

Blueprint Genetics
Classification: Uncertain significance. Last evaluated: 2023-12-27. Review status: criteria provided, single submitter. Criteria: ACMG Guidelines, 2015. Collection method: clinical testing. Allele origin: germline.

Fulgent Genetics
Classification: Uncertain significance for Hypertrophic cardiomyopathy 4; Left ventricular noncompaction 10. Last evaluated: 2021-07-26. Review status: criteria provided, single submitter. Criteria: ACMG Guidelines, 2015. Collection method: clinical testing. Allele origin: unknown.

Center for Human Genetics, University of Leuven
Classification: Uncertain significance for Hypertrophic cardiomyopathy. Last evaluated: 2018-10-31. Review status: criteria provided, single submitter. Criteria: ACMG Guidelines, 2015. Collection method: clinical testing. Allele origin: germline. Affected: yes.

CSER _CC_NCGL, University of Washington
Classification: Uncertain significance for Hypertrophic cardiomyopathy. Last evaluated: 2016-08-01. Review status: no assertion criteria provided. Collection method: research. Allele origin: germline. Inheritance: Autosomal dominant inheritance. Study: CSER - NEXT Medicine variant annotation. Not counted in ClinVar's aggregate classification.

Literature cited by the submitters: PubMed 21750094 (cited by 4 submitters); PubMed 27532257 (cited by 4 submitters); PubMed 31513939 (cited by 4 submitters); PubMed 32841044 (cited by 4 submitters); PubMed 33782553 (cited by 3 submitters); PubMed 36788754 (cited by Labcorp Genetics (formerly Invitae), Labcorp and Ambry Genetics); PubMed 37652022 (cited by Labcorp Genetics (formerly Invitae), Labcorp); PubMed 38456273 (cited by Labcorp Genetics (formerly Invitae), Labcorp); PubMed 22958901 (cited by Ambry Genetics); PubMed 29687901 (cited by Ambry Genetics); PubMed 32356610 (cited by 3 submitters); PubMed 34097875 (cited by Color Diagnostics, LLC DBA Color Health and All of Us Research Program, National Institutes of Health).

NM_000256.3(MYBPC3):c.1153G>A (p.Val385Met)

Gene: MYBPC3 (myosin binding protein C3; minus strand). Cytogenetic location: 11p11.2.
Variant type: single nucleotide variant.
Coding change: c.1153G>A on transcript NM_000256.3 (MANE Select); coding-DNA position 1153, G replaced by A.
Protein change: p.Val385Met; replaces valine 385 with methionine.
Molecular consequence: missense variant.
Genome position (GRCh38, 1-based): chr11:47,343,562, C>T on the plus strand (G>A on the coding strand, the complement: MYBPC3 is on the minus strand). VCF-style: chr11-47343562-C-T. GRCh37 (hg19) VCF-style: chr11-47365113-C-T.
Other names: c.1153G>A, p.Val385Met (LRG_386t1); short protein forms V385M.
Identifiers: ClinVar variation 219403 (VCV000219403.24), dbSNP rs772073491, ClinGen allele CA042951.